The following is an entry in ClinVar:

ClinVar aggregate classification (germline): Uncertain significance (1 of 4 stars; one submission).

Conditions:
Joubert syndrome 23 (JBTS23). Identifiers: Orphanet 475, MedGen C4084822, MONDO:0014664, OMIM 616490.
Short-rib thoracic dysplasia 14 with polydactyly (SRTD14). Identifiers: Orphanet 397715, MedGen C4225286, MONDO:0014688, OMIM 616546.

Allele frequency attached by ClinVar (database versions not stated): gnomAD 0.00001; gnomAD exomes 0.00001 and 0.00005; TOPMed 0.00001.
gnomAD v4.1: 73 of 1,613,048 alleles (0.0045%); highest among the groups gnomAD compares: Non-Finnish European, 0.006%; no homozygotes.

Submission:

Labcorp Genetics (formerly Invitae), Labcorp
Classification: Uncertain significance for Joubert syndrome 23; Short-rib thoracic dysplasia 14 with polydactyly. Last evaluated: 2024-01-02. Review status: criteria provided, single submitter. Criteria: Invitae Variant Classification Sherloc (09022015). Collection method: clinical testing. Allele origin: germline.
Comment: This sequence change replaces methionine, which is neutral and non-polar, with valine, which is neutral and non-polar, at codon 760 of the KIAA0586 protein (p.Met760Val). This variant is present in population databases (no rsID available, gnomAD 0.003%). This variant has not been reported in the literature in individuals affected with KIAA0586-related conditions. ClinVar contains an entry for this variant (Variation ID: 1359896). Advanced modeling of protein sequence and biophysical properties (such as structural, functional, and spatial information, amino acid conservation, physicochemical variation, residue mobility, and thermodynamic stability) performed at Invitae indicates that this missense variant is not expected to disrupt KIAA0586 protein function with a negative predictive value of 80%. In summary, the available evidence is currently insufficient to determine the role of this variant in disease. Therefore, it has been classified as a Variant of Uncertain Significance.

NM_001329943.3(KIAA0586):c.2119A>G (p.Met707Val)

Gene: KIAA0586 (KIAA0586; plus strand). Cytogenetic location: 14q23.1.
Variant type: single nucleotide variant.
Coding change: c.2119A>G on transcript NM_001329943.3 (MANE Select); coding-DNA position 2119, A replaced by G.
Protein change: p.Met707Val; replaces methionine 707 with valine.
Molecular consequence: missense variant.
Genome position (GRCh38, 1-based): chr14:58,465,894, A>G. VCF-style: chr14-58465894-A-G. GRCh37 (hg19) VCF-style: chr14-58932612-A-G.
Other names: c.2278A>G, p.Met760Val (NM_001244189.2); c.2074A>G, p.Met692Val (NM_001244190.2); c.1864A>G, p.Met622Val (NM_001244191.2, NM_001329945.2, NM_001364700.1 and 1 more transcripts); c.1987A>G, p.Met663Val (NM_001244192.2); c.1699A>G, p.Met567Val (NM_001244193.2); c.2119A>G, p.Met707Val (NM_001329944.2, NM_001329946.2, NM_001329947.2); c.1891A>G, p.Met631Val (NM_014749.5); short protein forms M567V, M622V, M707V, M692V, M760V, M631V, M663V.
Identifiers: ClinVar variation 1359896 (VCV001359896.6), dbSNP rs1200934389, ClinGen allele CA389873929.